The following is an entry in ClinVar:

ClinVar aggregate classification (germline): Uncertain significance. Review status: criteria provided, multiple submitters, no conflicts (2 of 4 stars). 2 submissions from 2 submitters: Uncertain significance (2). Last evaluated 2025-10-31.

Conditions:
Familial amyloid nephropathy with urticaria AND deafness (MWS). Also called: MUCKLE-WELLS SYNDROME; Urticaria, deafness and amyloidosis; UDA SYNDROME; URTICARIA-DEAFNESS-AMYLOIDOSIS SYNDROME; CRYOPYRIN-ASSOCIATED PERIODIC SYNDROME 2. Identifiers: Orphanet 575, MedGen C0268390, MONDO:0008633, OMIM 191900.
Familial cold autoinflammatory syndrome 1 (FCAS1). Also called: CRYOPYRIN-ASSOCIATED PERIODIC SYNDROME 1; Familial cold inflammatory syndrome 1. Identifiers: Orphanet 47045, MedGen C4551895, MONDO:0007349, OMIM 120100.
Keratitis fugax hereditaria. Also called: KERATOENDOTHELIITIS FUGAX HEREDITARIA. Identifiers: Orphanet 647815, MedGen C1835697, MONDO:0007849, OMIM 148200.
Chronic infantile neurological, cutaneous and articular syndrome (CINCA). Also called: CHRONIC NEUROLOGIC CUTANEOUS AND ARTICULAR SYNDROME; Prieur Griscelli syndrome; CINCA syndrome; CRYOPYRIN-ASSOCIATED PERIODIC SYNDROME 3. Identifiers: Orphanet 1451, MedGen C0409818, MONDO:0011776, OMIM 607115.
Hearing loss, autosomal dominant 34, with or without inflammation. Also called: DEAFNESS, AUTOSOMAL DOMINANT 34, WITH OR WITHOUT INFLAMMATION. Identifiers: MedGen C4521680, MONDO:0033261, OMIM 617772.
Cryopyrin associated periodic syndrome (CAPS). Identifiers: Orphanet 208650, MedGen C2316212, MONDO:0016168.

Allele frequency attached by ClinVar (database versions not stated): gnomAD exomes below 0.00001.
gnomAD v4.1: 1 of 1,614,276 alleles (0.000062%); highest among the groups gnomAD compares: Non-Finnish European, 0.000085%; no homozygotes.

Submissions (2):

Labcorp Genetics (formerly Invitae), Labcorp
Classification: Uncertain significance for Cryopyrin associated periodic syndrome. Last evaluated: 2025-10-31. Review status: criteria provided, single submitter. Criteria: Invitae Variant Classification Sherloc (09022015). Collection method: clinical testing. Allele origin: germline.
Comment: This sequence change replaces glutamine, which is neutral and polar, with arginine, which is basic and polar, at codon 798 of the NLRP3 protein (p.Gln798Arg). This variant is not present in population databases (gnomAD no frequency). This variant has not been reported in the literature in individuals affected with NLRP3-related conditions. ClinVar contains an entry for this variant (Variation ID: 1350883). Invitae Evidence Modeling of protein sequence and biophysical properties (such as structural, functional, and spatial information, amino acid conservation, physicochemical variation, residue mobility, and thermodynamic stability) indicates that this missense variant is not expected to disrupt NLRP3 protein function with a negative predictive value of 95%. In summary, the available evidence is currently insufficient to determine the role of this variant in disease. Therefore, it has been classified as a Variant of Uncertain Significance.

Fulgent Genetics
Classification: Uncertain significance for Familial cold autoinflammatory syndrome 1; Keratitis fugax hereditaria; Familial amyloid nephropathy with urticaria AND deafness; Chronic infantile neurological, cutaneous and articular syndrome; Hearing loss, autosomal dominant 34, with or without inflammation. Last evaluated: 2022-02-08. Review status: criteria provided, single submitter. Criteria: ACMG Guidelines, 2015. Collection method: clinical testing. Allele origin: unknown.

NM_001243133.2(NLRP3):c.2387A>G (p.Gln796Arg)

Gene: NLRP3 (NLR family pyrin domain containing 3; plus strand). Cytogenetic location: 1q44.
Variant type: single nucleotide variant.
Coding change: c.2387A>G on transcript NM_001243133.2 (MANE Select); coding-DNA position 2387, A replaced by G.
Protein change: p.Gln796Arg; replaces glutamine 796 with arginine.
Molecular consequence: missense variant.
Genome position (GRCh38, 1-based): chr1:247,434,168, A>G. VCF-style: chr1-247434168-A-G. GRCh37 (hg19) VCF-style: chr1-247597470-A-G.
Other names: c.2387A>G, p.Gln796Arg (NM_001079821.3, NM_001127461.3); c.2216A>G, p.Gln739Arg (NM_001127462.3, NM_183395.3); c.2393A>G, p.Gln798Arg (NM_004895.5); short protein forms Q739R, Q798R, Q796R.
Identifiers: ClinVar variation 1350883 (VCV001350883.9), dbSNP rs2103162880, ClinGen allele CA345561063.